The following is an entry in ClinVar:

ClinVar aggregate classification (germline): Pathogenic. Review status: criteria provided, multiple submitters, no conflicts (2 of 4 stars). 2 submissions from 2 submitters: Pathogenic (2). Last evaluated 2026-06-05.

Conditions:
Dyskeratosis congenita. Identifiers: Orphanet 1775, MedGen C0265965, MONDO:0015780.
Cerebroretinal microangiopathy with calcifications and cysts 1 (CRMCC1). Identifiers: Orphanet 313838, MedGen C4552029, MONDO:0024564, OMIM 612199.

Submissions (2):

Women's Health and Genetics/Laboratory Corporation of America, LabCorp
Classification: Pathogenic for Cerebroretinal microangiopathy with calcifications and cysts 1. Last evaluated: 2026-06-05. Review status: criteria provided, single submitter. Criteria: LabCorp Variant Classification Summary - May 2015. Collection method: clinical testing. Allele origin: germline.
Comment: Variant summary: CTC1 c.2880dupA (p.Leu961ThrfsX40) results in a premature termination codon, predicted to cause a truncation of the encoded protein or absence of the protein due to nonsense mediated decay, which are commonly known mechanisms for disease. Loss-of-function variants in this gene are known to be pathogenic. The variant was absent in 249474 control chromosomes. To our knowledge, no occurrence of c.2880dupA in individuals affected with CTC1-related conditions and no experimental evidence demonstrating its impact on protein function have been reported. ClinVar contains an entry for this variant (Variation ID: 1447492). Based on the evidence outlined above, the variant was classified as pathogenic.

Labcorp Genetics (formerly Invitae), Labcorp
Classification: Pathogenic for Dyskeratosis congenita. Last evaluated: 2021-09-04. Review status: criteria provided, single submitter. Criteria: Invitae Variant Classification Sherloc (09022015). Collection method: clinical testing. Allele origin: germline.
Comment: For these reasons, this variant has been classified as Pathogenic. This variant has not been reported in the literature in individuals affected with CTC1-related conditions. This sequence change creates a premature translational stop signal (p.Leu961Thrfs*40) in the CTC1 gene. It is expected to result in an absent or disrupted protein product. Loss-of-function variants in CTC1 are known to be pathogenic (PMID: 22267198, 22387016). This variant is not present in population databases (ExAC no frequency).

Literature cited by the submitters: PubMed 22267198 (cited by Labcorp Genetics (formerly Invitae), Labcorp); PubMed 22387016 (cited by Labcorp Genetics (formerly Invitae), Labcorp).

NM_025099.6(CTC1):c.2880dup (p.Leu961fs)

Gene: CTC1 (CST telomere replication complex component 1; minus strand). Cytogenetic location: 17p13.1.
Variant type: Duplication.
Coding change: c.2880dup on transcript NM_025099.6 (MANE Select); coding-DNA position 2880, one base duplicated (A; older notation c.2880dupA).
Protein change: p.Leu961fs; shifts the reading frame from leucine 961.
Molecular consequence: frameshift variant. On other transcripts: non-coding transcript variant (1).
Genome position (GRCh38, 1-based): chr17:8,230,347, T duplicated on the plus strand (A on the coding strand, the reverse complement: CTC1 is on the minus strand). VCF-style (leftmost placement, unchanged base first): chr17-8230346-G-GT. GRCh37 (hg19) VCF-style: chr17-8133664-G-GT.
Other names: c.2880dupA (NM_025099.6); short protein forms L961fs.
Identifiers: ClinVar variation 1447492 (VCV001447492.7), dbSNP rs2151503544, ClinGen allele CA2573154540.